The following is an entry in ClinVar:

NM_003659.4(AGPS):c.358C>G (p.Leu120Val)

Gene: AGPS (alkylglycerone phosphate synthase; plus strand). Cytogenetic location: 2q31.2.
Variant type: single nucleotide variant.
Coding change: c.358C>G on transcript NM_003659.4 (MANE Select); coding-DNA position 358, C replaced by G.
Protein change: p.Leu120Val; replaces leucine 120 with valine.
Molecular consequence: missense variant.
Genome position (GRCh38, 1-based): chr2:177,434,334, C>G. VCF-style: chr2-177434334-C-G. GRCh37 (hg19) VCF-style: chr2-178299062-C-G.
Other names: c.358C>G (NM_003659.3); short protein forms L120V.
Identifiers: ClinVar variation 2155462 (VCV002155462.2), dbSNP rs1443589177, ClinGen allele CA349701837.

ClinVar aggregate classification (germline): Uncertain significance. Review status: criteria provided, multiple submitters, no conflicts (2 of 4 stars). 2 submissions from 2 submitters: Uncertain significance (2). Last evaluated 2023-10-30.

Conditions:
Inborn genetic diseases. Identifiers: MedGen C0950123, MeSH D030342.

Allele frequency attached by ClinVar (database versions not stated): gnomAD exomes 0.00001; gnomAD 0.00002; TOPMed 0.00003.

Submissions (2):

Ambry Genetics
Classification: Uncertain significance for Inborn genetic diseases. Last evaluated: 2023-10-30. Review status: criteria provided, single submitter. Criteria: Ambry Variant Classification Scheme 2023. Collection method: clinical testing. Allele origin: germline.

Labcorp Genetics (formerly Invitae), Labcorp
Classification: Uncertain significance. Last evaluated: 2022-04-10. Review status: criteria provided, single submitter. Criteria: Invitae Variant Classification Sherloc (09022015). Collection method: clinical testing. Allele origin: germline.
Comment: This sequence change replaces leucine, which is neutral and non-polar, with valine, which is neutral and non-polar, at codon 120 of the AGPS protein (p.Leu120Val). This variant is present in population databases (no rsID available, gnomAD 0.002%). This variant has not been reported in the literature in individuals affected with AGPS-related conditions. Algorithms developed to predict the effect of missense changes on protein structure and function (SIFT, PolyPhen-2, Align-GVGD) all suggest that this variant is likely to be tolerated. In summary, the available evidence is currently insufficient to determine the role of this variant in disease. Therefore, it has been classified as a Variant of Uncertain Significance.